The following is an entry in ClinVar:

NM_173630.4(RTTN):c.2636A>T (p.Glu879Val)

Gene: RTTN (rotatin; minus strand). Cytogenetic location: 18q22.2.
Variant type: single nucleotide variant.
Coding change: c.2636A>T on transcript NM_173630.4 (MANE Select); coding-DNA position 2636, A replaced by T.
Protein change: p.Glu879Val; replaces glutamic acid 879 with valine.
Molecular consequence: missense variant. On other transcripts: intron variant (1).
Genome position (GRCh38, 1-based): chr18:70,140,134, T>A on the plus strand (A>T on the coding strand, the complement: RTTN is on the minus strand). VCF-style: chr18-70140134-T-A. GRCh37 (hg19) VCF-style: chr18-67807370-T-A.
Other names: c.-66-418A>T (NM_001318520.2); short protein forms E879V.
Identifiers: ClinVar variation 1307818 (VCV001307818.3), dbSNP rs1403643500, ClinGen allele CA402691578.

ClinVar aggregate classification (germline): Uncertain significance. Review status: criteria provided, multiple submitters, no conflicts (2 of 4 stars). 2 submissions from 2 submitters: Uncertain significance (2). Last evaluated 2022-12-26.

Allele frequency attached by ClinVar (database versions not stated): gnomAD exomes below 0.00001.
gnomAD v4.1: 3 of 1,600,422 alleles (0.00019%); highest among the groups gnomAD compares: Non-Finnish European, 0.000086%; no homozygotes.

Submissions (2):

Blueprint Genetics
Classification: Uncertain significance. Last evaluated: 2022-12-26. Review status: criteria provided, single submitter. Criteria: ACMG Guidelines, 2015. Collection method: clinical testing. Allele origin: germline.

GeneDx
Classification: Uncertain significance. Last evaluated: 2019-08-24. Review status: criteria provided, single submitter. Criteria: GeneDx Variant Classification Process June 2021. Collection method: clinical testing. Allele origin: germline. Affected: yes.
Comment: Not observed at a significant frequency in large population cohorts (Lek et al., 2016); In silico analysis, which includes protein predictors and evolutionary conservation, supports that this variant does not alter protein structure/function; Has not been previously published as pathogenic or benign to our knowledge